The following is an entry in ClinVar:

ClinVar aggregate classification (germline): Uncertain significance (1 of 4 stars; one submission).

Conditions:
Cardiovascular phenotype. Identifiers: MedGen CN230736.

Allele frequency attached by ClinVar (database versions not stated): ExAC 0.00001; TOPMed 0.00001; ESP Exome Variant Server 0.00008.

Submission:

Ambry Genetics
Classification: Uncertain significance for Cardiovascular phenotype. Last evaluated: 2023-09-15. Review status: criteria provided, single submitter. Criteria: Ambry Variant Classification Scheme 2023. Collection method: clinical testing. Allele origin: germline.
Comment: The p.W104R variant (also known as c.310T>C), located in coding exon 4 of the CACNB2 gene, results from a T to C substitution at nucleotide position 310. The tryptophan at codon 104 is replaced by arginine, an amino acid with dissimilar properties. This amino acid position is conserved. In addition, this alteration is predicted to be deleterious by in silico analysis. Since supporting evidence is limited at this time, the clinical significance of this alteration remains unclear.

NM_201596.3(CACNB2):c.472T>C (p.Trp158Arg)

Gene: CACNB2 (calcium voltage-gated channel auxiliary subunit beta 2; plus strand). Cytogenetic location: 10p12.31.
Variant type: single nucleotide variant.
Coding change: c.472T>C on transcript NM_201596.3 (MANE Select); coding-DNA position 472, T replaced by C.
Protein change: p.Trp158Arg; replaces tryptophan 158 with arginine.
Molecular consequence: missense variant.
Genome position (GRCh38, 1-based): chr10:18,500,827, T>C. VCF-style: chr10-18500827-T-C. GRCh37 (hg19) VCF-style: chr10-18789756-T-C.
Other names: c.307T>C, p.Trp103Arg (NM_000724.4, NM_001330060.2); c.388T>C, p.Trp130Arg (NM_001167945.2, NM_201571.4, NM_201572.4); c.328T>C, p.Trp110Arg (NM_001410882.1, NM_201570.3); c.310T>C, p.Trp104Arg (NM_201590.3); c.472T>C, p.Trp158Arg (NM_201593.3, NM_201597.3); short protein forms W103R, W104R, W110R, W130R, W158R.
Identifiers: ClinVar variation 3230200 (VCV003230200.1), dbSNP rs142159936, ClinGen allele CA5429637.